The following is an entry in ClinVar:

ClinVar aggregate classification (germline): Uncertain significance. Review status: criteria provided, multiple submitters, no conflicts (2 of 4 stars). 3 submissions from 3 submitters: Uncertain significance (3). Last evaluated 2024-05-23.

Conditions:
Hereditary cancer-predisposing syndrome. Also called: Tumor predisposition; Hereditary Cancer Syndrome; Neoplastic Syndromes, Hereditary; Hereditary neoplastic syndrome. Identifiers: Orphanet 140162, MedGen C0027672, MeSH D009386, MONDO:0015356.
Ataxia-telangiectasia-like disorder (ATLD). Identifiers: MedGen C1858391, MONDO:0011457.

Submissions (3):

Labcorp Genetics (formerly Invitae), Labcorp
Classification: Uncertain significance for Ataxia-telangiectasia-like disorder. Last evaluated: 2024-05-23. Review status: criteria provided, single submitter. Criteria: Invitae Variant Classification Sherloc (09022015). Collection method: clinical testing. Allele origin: germline.
Comment: This sequence change replaces aspartic acid, which is acidic and polar, with glycine, which is neutral and non-polar, at codon 20 of the MRE11 protein (p.Asp20Gly). This variant is not present in population databases (gnomAD no frequency). This variant has not been reported in the literature in individuals affected with MRE11-related conditions. ClinVar contains an entry for this variant (Variation ID: 626142). An algorithm developed to predict the effect of missense changes on protein structure and function (PolyPhen-2) suggests that this variant is likely to be disruptive. In summary, the available evidence is currently insufficient to determine the role of this variant in disease. Therefore, it has been classified as a Variant of Uncertain Significance.

Ambry Genetics
Classification: Uncertain significance for Hereditary cancer-predisposing syndrome. Last evaluated: 2022-08-19. Review status: criteria provided, single submitter. Criteria: Ambry Variant Classification Scheme 2023. Collection method: clinical testing. Allele origin: germline.
Comment: The p.D20G variant (also known as c.59A>G), located in coding exon 2 of the MRE11A gene, results from an A to G substitution at nucleotide position 59. The aspartic acid at codon 20 is replaced by glycine, an amino acid with similar properties. This amino acid position is conserved. In addition, this alteration is predicted to be deleterious by in silico analysis. Since supporting evidence is limited at this time, the clinical significance of this alteration remains unclear.

Center for Genomics, Ann and Robert H. Lurie Children's Hospital of Chicago
Classification: Uncertain significance. Last evaluated: 2021-03-30. Review status: criteria provided, single submitter. Criteria: ACMG Guidelines, 2015. Collection method: clinical testing. Allele origin: germline.
Comment: MRE11A NM_005591 exon 3 p.Asp20Gly (c.59A>G): This variant has not been reported in the literature and is not present in large control databases. Evolutionary conservation and computational predictive tools suggest that this variant may impact the protein. In summary, data on this variant is insufficient for disease classification. Therefore, the clinical significance of this variant is uncertain.

NM_005591.4(MRE11):c.59A>G (p.Asp20Gly)

Gene: MRE11 (MRE11 double strand break repair nuclease; minus strand). Cytogenetic location: 11q21.
Variant type: single nucleotide variant.
Coding change: c.59A>G on transcript NM_005591.4 (MANE Select); coding-DNA position 59, A replaced by G.
Protein change: p.Asp20Gly; replaces aspartic acid 20 with glycine.
Molecular consequence: missense variant.
Genome position (GRCh38, 1-based): chr11:94,490,927, T>C on the plus strand (A>G on the coding strand, the complement: MRE11 is on the minus strand). VCF-style: chr11-94490927-T-C. GRCh37 (hg19) VCF-style: chr11-94224093-T-C.
Other names: c.59A>G, p.Asp20Gly (NM_001330347.2, NM_005590.4); short protein forms D20G.
Identifiers: ClinVar variation 626142 (VCV000626142.7), dbSNP rs1565242083, ClinGen allele CA382380988.
Genomic context (GRCh38, chr11:94,490,927, plus strand): 5'-AGTGTTACAAACGTATCATTTCCTCTGACTGCATCTTTCTCCATAAATCCAAGATGAATA[T>C]CTGTTGCAACTAATATTTTAAATGTGTTTTCATCATCACTATATTAAGAAAGAAGAAACA-3'
Protein context (NP_005582.1, residues 10-30): ENTFKILVAT[Asp20Gly]IHLGFMEKDA